The following is an entry in ClinVar:

NM_004446.3(EPRS1):c.4067A>G (p.Asn1356Ser)

Gene: EPRS1 (glutamyl-prolyl-tRNA synthetase 1; minus strand). Cytogenetic location: 1q41.
Variant type: single nucleotide variant.
Coding change: c.4067A>G on transcript NM_004446.3 (MANE Select); coding-DNA position 4067, A replaced by G.
Protein change: p.Asn1356Ser; replaces asparagine 1356 with serine.
Molecular consequence: missense variant.
Genome position (GRCh38, 1-based): chr1:219,978,562, T>C on the plus strand (A>G on the coding strand, the complement: EPRS1 is on the minus strand). VCF-style: chr1-219978562-T-C. GRCh37 (hg19) VCF-style: chr1-220151904-T-C.
Other names: c.4067A>G (NM_004446.2); short protein forms N1356S.
Identifiers: ClinVar variation 2176519 (VCV002176519.8), dbSNP rs753065099, ClinGen allele CA1399520.

ClinVar aggregate classification (germline): Uncertain significance. Review status: criteria provided, multiple submitters, no conflicts (2 of 4 stars). 4 submissions from 4 submitters: Uncertain significance (4). Last evaluated 2024-06-06.

Conditions:
Inborn genetic diseases. Identifiers: MedGen C0950123, MeSH D030342.
Leukodystrophy, hypomyelinating, 15. Identifiers: MedGen C4693733, MONDO:0054782, OMIM 617951.

Allele frequency attached by ClinVar (database versions not stated): gnomAD 0.00004; TOPMed 0.00005; gnomAD exomes 0.00006; ExAC 0.00008.
gnomAD v4.1: 85 of 1,576,628 alleles (0.0054%); highest among the groups gnomAD compares: Middle Eastern, 0.034%; no homozygotes.

Submissions (4):

Blueprint Genetics
Classification: Uncertain significance. Last evaluated: 2024-06-06. Review status: criteria provided, single submitter. Criteria: ACMG Guidelines, 2015. Collection method: clinical testing. Allele origin: germline.

Genomic Medicine Center of Excellence, King Faisal Specialist Hospital and Research Centre
Classification: Uncertain significance for Leukodystrophy, hypomyelinating, 15. Last evaluated: 2024-03-29. Review status: criteria provided, single submitter. Criteria: ACMG Guidelines, 2015. Collection method: clinical testing. Allele origin: germline.

Labcorp Genetics (formerly Invitae), Labcorp
Classification: Uncertain significance. Last evaluated: 2023-11-27. Review status: criteria provided, single submitter. Criteria: Invitae Variant Classification Sherloc (09022015). Collection method: clinical testing. Allele origin: germline.
Comment: This sequence change replaces asparagine, which is neutral and polar, with serine, which is neutral and polar, at codon 1356 of the EPRS protein (p.Asn1356Ser). This variant is present in population databases (rs753065099, gnomAD 0.01%). This variant has not been reported in the literature in individuals affected with EPRS-related conditions. ClinVar contains an entry for this variant (Variation ID: 2176519). An algorithm developed to predict the effect of missense changes on protein structure and function (PolyPhen-2) suggests that this variant is likely to be tolerated. In summary, the available evidence is currently insufficient to determine the role of this variant in disease. Therefore, it has been classified as a Variant of Uncertain Significance.

Ambry Genetics
Classification: Uncertain significance for Inborn genetic diseases. Last evaluated: 2023-05-17. Review status: criteria provided, single submitter. Criteria: Ambry Variant Classification Scheme 2023. Collection method: clinical testing. Allele origin: germline.